The following is an entry in ClinVar:

ClinVar aggregate classification (germline): Uncertain significance (1 of 4 stars; one submission).

Conditions:
Cernunnos-XLF deficiency (IMD124). Also called: NHEJ1 SYNDROME; Severe combined immunodeficiency with sensitivity to ionizing radiation due to NHEJ1 deficiency; SCID, autosomal recessive, T cell-negative, B cell-negative, NK cell-positive, and sensitivity to ionizing radiation due to NHEJ1 deficiency; IMMUNODEFICIENCY 124, SEVERE COMBINED; SCID, AUTOSOMAL RECESSIVE, T CELL-NEGATIVE, B CELL-NEGATIVE, NK CELL-POSITIVE, WITH MICROCEPHALY, GROWTH RETARDATION, AND SENSITIVITY TO IONIZING RADIATION. Identifiers: Orphanet 169079, MedGen C1969799, MONDO:0012650, OMIM 611291.

Allele frequency attached by ClinVar (database versions not stated): gnomAD 0.00001; gnomAD exomes 0.00001 and 0.00002; ExAC 0.00002; TOPMed 0.00002.
gnomAD v4.1: 31 of 1,611,598 alleles (0.0019%); highest among the groups gnomAD compares: Non-Finnish European, 0.0025%; no homozygotes.

Submission:

Labcorp Genetics (formerly Invitae), Labcorp
Classification: Uncertain significance for Cernunnos-XLF deficiency. Last evaluated: 2022-08-22. Review status: criteria provided, single submitter. Criteria: Invitae Variant Classification Sherloc (09022015). Collection method: clinical testing. Allele origin: germline.
Comment: This variant is present in population databases (rs780016182, gnomAD 0.003%). In summary, the available evidence is currently insufficient to determine the role of this variant in disease. Therefore, it has been classified as a Variant of Uncertain Significance. Algorithms developed to predict the effect of missense changes on protein structure and function (SIFT, PolyPhen-2, Align-GVGD) all suggest that this variant is likely to be tolerated. ClinVar contains an entry for this variant (Variation ID: 999715). This variant has not been reported in the literature in individuals affected with NHEJ1-related conditions. This sequence change replaces glutamic acid, which is acidic and polar, with glycine, which is neutral and non-polar, at codon 186 of the NHEJ1 protein (p.Glu186Gly).

NM_024782.3(NHEJ1):c.557A>G (p.Glu186Gly)

Gene: NHEJ1 (non-homologous end joining factor 1; minus strand). Cytogenetic location: 2q35.
Variant type: single nucleotide variant.
Coding change: c.557A>G on transcript NM_024782.3 (MANE Select); coding-DNA position 557, A replaced by G.
Protein change: p.Glu186Gly; replaces glutamic acid 186 with glycine.
Molecular consequence: missense variant. On other transcripts: non-coding transcript variant (1).
Genome position (GRCh38, 1-based): chr2:219,146,711, T>C on the plus strand (A>G on the coding strand, the complement: NHEJ1 is on the minus strand). VCF-style: chr2-219146711-T-C. GRCh37 (hg19) VCF-style: chr2-220011433-T-C.
Other names: c.557A>G, p.Glu186Gly (NM_001377498.1, NM_001377499.1); short protein forms E186G.
Identifiers: ClinVar variation 999715 (VCV000999715.6), dbSNP rs780016182, ClinGen allele CA2116944.